The following is an entry in ClinVar:

NM_001042492.3(NF1):c.2990+10C>G

Gene: NF1 (neurofibromin 1; plus strand). Cytogenetic location: 17q11.2.
Variant type: single nucleotide variant.
Coding change: c.2990+10C>G on transcript NM_001042492.3 (MANE Select); 10 bases into the intron after coding-DNA position 2990, C replaced by G.
Molecular consequence: intron variant.
Genome position (GRCh38, 1-based): chr17:31,229,984, C>G. VCF-style: chr17-31229984-C-G. GRCh37 (hg19) VCF-style: chr17-29557002-C-G.
Other names: c.2990+10C>G (NM_000267.4).
Identifiers: ClinVar variation 5042312 (VCV005042312.1).
Genomic context (GRCh38, chr17:31,229,984, plus strand): 5'-TGAACATCTAGGGCAAGCTAGCATTGAAACAATGATGTTAAATCTGGTCAGGTAAGCATT[C>G]TACTGAAATGTAGCAGAAACATTTTAAGAGATAAGAAAAACCTCTTACACACTGATACTG-3'

ClinVar aggregate classification (germline): Likely benign (1 of 4 stars; one submission).

Conditions:
Neurofibromatosis, type 1 (NF1). Also called: VON RECKLINGHAUSEN DISEASE; NEUROFIBROMATOSIS, TYPE I, SOMATIC; Peripheral type neurofibromatosis; Neurofibromatosis, type I. Identifiers: Orphanet 636, MedGen C0027831, MONDO:0018975, OMIM 162200. Disease mechanism: loss of function.

Submission:

Myriad Genetics, Inc.
Classification: Likely benign for Neurofibromatosis, type 1. Last evaluated: 2026-09-23. Review status: criteria provided, single submitter. Criteria: Myriad Autosomal Dominant, Autosomal Recessive and X-Linked Classification Criteria (2023). Collection method: clinical testing. Allele origin: unknown.
Comment: This variant is considered likely benign. This variant is intronic and is not expected to impact mRNA splicing.